The following is an entry in ClinVar:

NM_001367868.2(PLIN4):c.963C>A (p.Thr321=)

Gene: PLIN4 (perilipin 4; minus strand). Cytogenetic location: 19p13.3.
Variant type: single nucleotide variant.
Coding change: c.963C>A on transcript NM_001367868.2 (MANE Select); coding-DNA position 963, C replaced by A.
Protein change: p.Thr321=; no amino-acid change (threonine 321 retained).
Molecular consequence: synonymous variant.
Genome position (GRCh38, 1-based): chr19:4,512,997, G>T on the plus strand (C>A on the coding strand, the complement: PLIN4 is on the minus strand). VCF-style: chr19-4512997-G-T. GRCh37 (hg19) VCF-style: chr19-4513009-G-T.
Other names: c.966C>A, p.Thr322= (NM_001393888.1, NM_001393889.1); c.963C>A, p.Thr321= (NM_001393890.1, NM_001393891.1).
Identifiers: ClinVar variation 3025004 (VCV003025004.22), dbSNP rs568537680, ClinGen allele CA304486183.

ClinVar aggregate classification (germline): Likely benign (1 of 4 stars; one submission).

Allele frequency attached by ClinVar (database versions not stated): 1000 Genomes Project 0.00240.

Submission:

CeGaT Center for Human Genetics Tuebingen
Classification: Likely benign. Last evaluated: 2026-04-01. Review status: criteria provided, single submitter. Criteria: CeGaT Center For Human Genetics Tuebingen Variant Classification Criteria Version 2. Collection method: clinical testing. Allele origin: germline. Affected: yes. Observed: 8 variant alleles.
Comment: PLIN4: BP4, BP7